The following is an entry in ClinVar:

NM_017636.4(TRPM4):c.2535C>G (p.Pro845=)

Gene: TRPM4 (transient receptor potential cation channel subfamily M member 4; plus strand). Cytogenetic location: 19q13.33.
Variant type: single nucleotide variant.
Coding change: c.2535C>G on transcript NM_017636.4 (MANE Select); coding-DNA position 2535, C replaced by G.
Protein change: p.Pro845=; no amino-acid change (proline 845 retained).
Molecular consequence: synonymous variant. On other transcripts: intron variant (1).
Genome position (GRCh38, 1-based): chr19:49,196,764, C>G. VCF-style: chr19-49196764-C-G. GRCh37 (hg19) VCF-style: chr19-49700021-C-G.
Other names: c.2190C>G, p.Pro730= (NM_001321281.2); c.927C>G, p.Pro309= (NM_001321282.2); c.2013C>G, p.Pro671= (NM_001321283.2); c.1473C>G, p.Pro491= (NM_001321285.2); c.2211-3536C>G (NM_001195227.2).
Identifiers: ClinVar variation 697657 (VCV000697657.15), dbSNP rs560849729, ClinGen allele CA9569568.
Genomic context (GRCh38, chr19:49,196,764, plus strand): 5'-GTGCGAGGAACTGCGCCAGGGCCTGAGCGGAGGCGGGGGCAGCCTCGCCAGCGGGGGCCC[C>G]GGGCCTGGCCATGCCTCACTGAGCCAGCGCCTGCGCCTCTACCTCGCCGACAGCTGGAAC-3'
Protein context (NP_060106.2, residues 835-855): GGGGSLASGG[Pro845=]GPGHASLSQR

ClinVar aggregate classification (germline): Benign/Likely benign. Review status: criteria provided, multiple submitters, no conflicts (2 of 4 stars). 5 submissions from 5 submitters: Benign (1); Likely benign (3). 1 of the submissions does not count toward it. Last evaluated 2026-01-26.

Conditions:
Progressive familial heart block type IB (PFHB1B). Identifiers: Orphanet 871, MedGen C1970298, MONDO:0011474, OMIM 604559.
Erythrokeratodermia variabilis et progressiva 6. Identifiers: MedGen C5193144, MONDO:0032801, OMIM 618531.
TRPM4-related disorder. Also called: TRPM4-related condition; TRPM4-related disorders. Identifiers: MedGen CN239424.
Cardiovascular phenotype. Identifiers: MedGen CN230736.

Allele frequency attached by ClinVar (database versions not stated): gnomAD 0.00018 and 0.00015; TOPMed 0.00019; 1000 Genomes Project 30x 0.00094; 1000 Genomes Project 0.00100; ExAC 0.00010.
gnomAD v4.1: 65 of 1,553,862 alleles (0.0042%); highest among the groups gnomAD compares: African/African-American, 0.087%; no homozygotes.

Submissions (5):

Labcorp Genetics (formerly Invitae), Labcorp
Classification: Benign for Progressive familial heart block type IB. Last evaluated: 2026-01-26. Review status: criteria provided, single submitter. Criteria: Invitae Variant Classification Sherloc (09022015). Collection method: clinical testing. Allele origin: germline.

Fulgent Genetics
Classification: Likely benign for Progressive familial heart block type IB; Erythrokeratodermia variabilis et progressiva 6. Last evaluated: 2021-08-18. Review status: criteria provided, single submitter. Criteria: ACMG Guidelines, 2015. Collection method: clinical testing. Allele origin: unknown.

Ambry Genetics
Classification: Likely benign for Cardiovascular phenotype. Last evaluated: 2020-05-07. Review status: criteria provided, single submitter. Criteria: Ambry Variant Classification Scheme 2023. Collection method: clinical testing. Allele origin: germline.

GeneDx
Classification: Likely benign. Last evaluated: 2019-12-11. Review status: criteria provided, single submitter. Criteria: GeneDx Variant Classification Process June 2021. Collection method: clinical testing. Allele origin: germline. Affected: yes.

PreventionGenetics, part of Exact Sciences
Classification: Likely benign for TRPM4-related condition. Last evaluated: 2019-06-03. Review status: no assertion criteria provided. Collection method: clinical testing. Allele origin: germline. Not counted in ClinVar's aggregate classification.
Comment: This variant is classified as likely benign based on ACMG/AMP sequence variant interpretation guidelines (Richards et al. 2015 PMID: 25741868, with internal and published modifications).